The following is an entry in ClinVar:

ClinVar aggregate classification (germline): Benign/Likely benign. Review status: criteria provided, multiple submitters, no conflicts (2 of 4 stars). 6 submissions from 6 submitters: Benign (1); Likely benign (5). Last evaluated 2025-12-06.

Conditions:
Hereditary nonpolyposis colorectal neoplasms. Identifiers: MedGen C0009405, MeSH D003123.
Hereditary cancer-predisposing syndrome. Also called: Hereditary Cancer Syndrome; Hereditary neoplastic syndrome; Neoplastic Syndromes, Hereditary; Tumor predisposition. Identifiers: Orphanet 140162, MedGen C0027672, MeSH D009386, MONDO:0015356.
Lynch syndrome 5 (LYNCH5). Also called: Hereditary non-polyposis colorectal cancer, type 5; Colorectal cancer, hereditary nonpolyposis, type 5. Identifiers: Orphanet 144, MedGen C1833477, MONDO:0013710, OMIM 614350. Disease mechanism: loss of function.

Submissions (6):

Labcorp Genetics (formerly Invitae), Labcorp
Classification: Likely benign for Hereditary nonpolyposis colorectal neoplasms. Last evaluated: 2025-12-06. Review status: criteria provided, single submitter. Criteria: Invitae Variant Classification Sherloc (09022015). Collection method: clinical testing. Allele origin: germline.

Myriad Genetics, Inc.
Classification: Benign for Lynch syndrome 5. Last evaluated: 2025-01-08. Review status: criteria provided, single submitter. Criteria: Myriad Autosomal Dominant, Autosomal Recessive and X-Linked Classification Criteria (2023). Collection method: clinical testing. Allele origin: unknown.
Comment: This variant is considered benign. This variant is a silent/synonymous amino acid change and it is not expected to impact splicing.

Women's Health and Genetics/Laboratory Corporation of America, LabCorp
Classification: Likely benign. Last evaluated: 2024-09-28. Review status: criteria provided, single submitter. Criteria: LabCorp Variant Classification Summary - May 2015. Collection method: clinical testing. Allele origin: germline.

Ambry Genetics
Classification: Likely benign for Hereditary cancer-predisposing syndrome. Last evaluated: 2017-09-06. Review status: criteria provided, single submitter. Criteria: Ambry Variant Classification Scheme 2023. Collection method: clinical testing. Allele origin: germline.

Color Diagnostics, LLC DBA Color Health
Classification: Likely benign for Hereditary cancer-predisposing syndrome. Last evaluated: 2017-08-14. Review status: criteria provided, single submitter. Criteria: ACMG Guidelines, 2015. Collection method: clinical testing. Allele origin: germline.

GeneDx
Classification: Likely benign. Last evaluated: 2017-08-11. Review status: criteria provided, single submitter. Criteria: GeneDx Variant Classification (06012015). Collection method: clinical testing. Allele origin: germline. Affected: yes.
Comment: This variant is considered likely benign or benign based on one or more of the following criteria: it is a conservative change, it occurs at a poorly conserved position in the protein, it is predicted to be benign by multiple in silico algorithms, and/or has population frequency not consistent with disease.

NM_000179.3(MSH6):c.3759A>T (p.Val1253=)

Gene: MSH6 (mutS homolog 6; plus strand). Cytogenetic location: 2p16.3.
Variant type: single nucleotide variant.
Coding change: c.3759A>T on transcript NM_000179.3 (MANE Select); coding-DNA position 3759, A replaced by T.
Protein change: p.Val1253=; no amino-acid change (valine 1253 retained).
Molecular consequence: synonymous variant.
Genome position (GRCh38, 1-based): chr2:47,806,316, A>T. VCF-style: chr2-47806316-A-T. GRCh37 (hg19) VCF-style: chr2-48033455-A-T.
Other names: c.3369A>T, p.Val1123= (NM_001281492.2); c.2853A>T, p.Val951= (NM_001281493.2, NM_001281494.2).
Identifiers: ClinVar variation 455283 (VCV000455283.17), dbSNP rs1553333115, ClinGen allele CA346761097.